The following is an entry in ClinVar:

NM_001943.5(DSG2):c.2990dup (p.Gly998fs)

Genes: DSG2 (desmoglein 2; plus strand), DSG2-AS1 (DSG2 antisense RNA 1; minus strand). Cytogenetic location: 18q12.1.
Variant type: Duplication.
Coding change: c.2990dup on transcript NM_001943.5 (MANE Select); coding-DNA position 2990, one base duplicated (G; older notation c.2990dupG).
Protein change: p.Gly998fs; shifts the reading frame from glycine 998.
Molecular consequence: frameshift variant.
Genome position (GRCh38, 1-based): chr18:31,546,376, G duplicated; the last of 5 consecutive G bases (chr18:31,546,372-31,546,376); duplicating any one gives the same sequence. VCF-style (leftmost placement, unchanged base first): chr18-31546371-T-TG. GRCh37 (hg19) VCF-style: chr18-29126334-T-TG.
Other names: short protein forms G998fs.
Identifiers: ClinVar variation 4757469 (VCV004757469.1).

ClinVar aggregate classification (germline): Uncertain significance (1 of 4 stars; one submission).

Conditions:
Cardiomyopathy (CMYO). Also called: Cardiomyopathies. Identifiers: Orphanet 167848, MedGen C0878544, MONDO:0004994, HP:0001638. Inheritance: Various modes of inheritance.

Submission:

Color Diagnostics, LLC DBA Color Health
Classification: Uncertain significance for Cardiomyopathy. Last evaluated: 2025-07-14. Review status: criteria provided, single submitter. Criteria: ACMG Guidelines, 2015. Collection method: clinical testing. Allele origin: germline.
Comment: This variant inserts 1 nucleotide in exon 15 of the DSG2 gene, creating a frameshift and a premature translation stop signal in the last coding exon. This mutant transcript is predicted to escape nonsense-mediated decay and be expressed as a truncated protein. To our knowledge, this variant has not been reported in individuals affected with DSG2-related disorders in the literature. This variant has not been identified in the general population by the Genome Aggregation Database (gnomAD). The available evidence is insufficient to determine the role of this variant in disease conclusively. Therefore, this variant is classified as a Variant of Uncertain Significance.